The following is an entry in ClinVar:

NM_000059.4(BRCA2):c.7806-2002G>A

Gene: BRCA2 (BRCA2 DNA repair associated; plus strand). Cytogenetic location: 13q13.1.
Variant type: single nucleotide variant.
Coding change: c.7806-2002G>A on transcript NM_000059.4 (MANE Select); 2002 bases into the intron before coding-DNA position 7806, G replaced by A.
Molecular consequence: intron variant.
Genome position (GRCh38, 1-based): chr13:32,360,521, G>A. VCF-style: chr13-32360521-G-A. GRCh37 (hg19) VCF-style: chr13-32934658-G-A.
Other names: IVS 16-2002G>A.
Identifiers: ClinVar variation 209769 (VCV000209769.1), dbSNP rs11571715, ClinGen allele CA276737.

ClinVar aggregate classification (germline): Benign (3 of 4 stars; one submission).

Conditions:
Breast-ovarian cancer, familial, susceptibility to, 2 (BROVCA2). Also called: BRCA2 Hereditary Breast and Ovarian Cancer. Identifiers: Orphanet 145, MedGen C2675520, MONDO:0012933, OMIM 612555. Disease mechanism: loss of function.

Allele frequency attached by ClinVar (database versions not stated): gnomAD 0.00913 and 0.00989; TOPMed 0.00968; 1000 Genomes Project 0.01018; 1000 Genomes Project 30x 0.01062.
gnomAD v4.1: 1,377 of 152,148 alleles (0.91%); highest among the groups gnomAD compares: African/African-American, 3.2%; 23 homozygotes.

Submission:

Evidence-based Network for the Interpretation of Germline Mutant Alleles (ENIGMA)
Classification: Benign for Breast-ovarian cancer, familial 2. Last evaluated: 2015-01-12. Review status: reviewed by expert panel. Criteria: ENIGMA BRCA1/2 Classification Criteria (2015). Collection method: curation. Allele origin: germline.
Comment: Class 1 not pathogenic based on frequency >1% in an outbred sampleset. Frequency 0.03252 (African), 0.02243 (European), derived from 1000 genomes (2012-04-30).